The following is an entry in ClinVar:

ClinVar aggregate classification (germline): Pathogenic (1 of 4 stars; one submission).

Conditions:
Tumor predisposition syndrome 3 (TPDS3). Also called: LONG TELOMERE SYNDROME, POT1-RELATED; POT1 Tumor Predisposition; Melanoma, cutaneous malignant, susceptibility to, 10; Glioma susceptibility 9. Identifiers: Orphanet 618, MedGen C4014476, MONDO:0014368, OMIM 615848.

Submission:

Labcorp Genetics (formerly Invitae), Labcorp
Classification: Pathogenic for Tumor predisposition syndrome 3. Last evaluated: 2023-04-23. Review status: criteria provided, single submitter. Criteria: Invitae Variant Classification Sherloc (09022015). Collection method: clinical testing. Allele origin: germline.
Comment: For these reasons, this variant has been classified as Pathogenic. This variant has not been reported in the literature in individuals affected with POT1-related conditions. This variant is not present in population databases (gnomAD no frequency). This sequence change creates a premature translational stop signal (p.Cys307*) in the POT1 gene. It is expected to result in an absent or disrupted protein product. Loss-of-function variants in POT1 are known to be pathogenic (PMID: 32155570).

Literature cited by the submitters: PubMed 32155570.

NM_015450.3(POT1):c.921T>A (p.Cys307Ter)

Gene: POT1 (protection of telomeres 1; minus strand). Cytogenetic location: 7q31.33.
Variant type: single nucleotide variant.
Coding change: c.921T>A on transcript NM_015450.3 (MANE Select); coding-DNA position 921, T replaced by A.
Protein change: p.Cys307Ter; replaces cysteine 307 with a stop codon.
Molecular consequence: nonsense. On other transcripts: non-coding transcript variant (3).
Genome position (GRCh38, 1-based): chr7:124,851,900, A>T on the plus strand (T>A on the coding strand, the complement: POT1 is on the minus strand). VCF-style: chr7-124851900-A-T. GRCh37 (hg19) VCF-style: chr7-124491954-A-T.
Other names: c.528T>A, p.Cys176Ter (NM_001042594.2); short protein forms C176*, C307*.
Identifiers: ClinVar variation 2858500 (VCV002858500.3), dbSNP rs2485437004, ClinGen allele CA369054344.